The following is an entry in ClinVar:

NM_001737.5(C9):c.1099A>G (p.Met367Val)

Gene: C9 (complement C9; minus strand). Cytogenetic location: 5p13.1.
Variant type: single nucleotide variant.
Coding change: c.1099A>G on transcript NM_001737.5 (MANE Select); coding-DNA position 1099, A replaced by G.
Protein change: p.Met367Val; replaces methionine 367 with valine.
Molecular consequence: missense variant.
Genome position (GRCh38, 1-based): chr5:39,311,149, T>C on the plus strand (A>G on the coding strand, the complement: C9 is on the minus strand). VCF-style: chr5-39311149-T-C. GRCh37 (hg19) VCF-style: chr5-39311251-T-C.
Other names: short protein forms M367V.
Identifiers: ClinVar variation 1908081 (VCV001908081.5), dbSNP rs1467050467, ClinGen allele CA359555907.

ClinVar aggregate classification (germline): Uncertain significance (1 of 4 stars; one submission).

Allele frequency attached by ClinVar (database versions not stated): gnomAD 0.00001; gnomAD exomes 0.00001.
gnomAD v4.1: 4 of 1,613,332 alleles (0.00025%); highest among the groups gnomAD compares: East Asian, 0.0022%; no homozygotes.

Submission:

Labcorp Genetics (formerly Invitae), Labcorp
Classification: Uncertain significance. Last evaluated: 2022-05-04. Review status: criteria provided, single submitter. Criteria: Invitae Variant Classification Sherloc (09022015). Collection method: clinical testing. Allele origin: germline.
Comment: The frequency data for this variant in the population databases is considered unreliable, as metrics indicate poor data quality at this position in the gnomAD database. This sequence change replaces methionine, which is neutral and non-polar, with valine, which is neutral and non-polar, at codon 367 of the C9 protein (p.Met367Val). This variant has not been reported in the literature in individuals affected with C9-related conditions. In summary, the available evidence is currently insufficient to determine the role of this variant in disease. Therefore, it has been classified as a Variant of Uncertain Significance. Algorithms developed to predict the effect of missense changes on protein structure and function are either unavailable or do not agree on the potential impact of this missense change (SIFT: "Not Available"; PolyPhen-2: "Probably Damaging"; Align-GVGD: "Not Available").